The following is an entry in ClinVar:

ClinVar aggregate classification (germline): Uncertain significance (1 of 4 stars; one submission).

Submission:

Labcorp Genetics (formerly Invitae), Labcorp
Classification: Uncertain significance. Last evaluated: 2025-05-29. Review status: criteria provided, single submitter. Criteria: Invitae Variant Classification Sherloc (09022015). Collection method: clinical testing. Allele origin: germline.
Comment: This sequence change replaces alanine, which is neutral and non-polar, with serine, which is neutral and polar, at codon 331 of the PLVAP protein (p.Ala331Ser). This variant is not present in population databases (gnomAD no frequency). This variant has not been reported in the literature in individuals affected with PLVAP-related conditions. ClinVar contains an entry for this variant (Variation ID: 3664852). Invitae Evidence Modeling of protein sequence and biophysical properties (such as structural, functional, and spatial information, amino acid conservation, physicochemical variation, residue mobility, and thermodynamic stability) indicates that this missense variant is not expected to disrupt PLVAP protein function with a negative predictive value of 80%. In summary, the available evidence is currently insufficient to determine the role of this variant in disease. Therefore, it has been classified as a Variant of Uncertain Significance.

NM_031310.3(PLVAP):c.991G>T (p.Ala331Ser)

Gene: PLVAP (plasmalemma vesicle associated protein; minus strand). Cytogenetic location: 19p13.11.
Variant type: single nucleotide variant.
Coding change: c.991G>T on transcript NM_031310.3 (MANE Select); coding-DNA position 991, G replaced by T.
Protein change: p.Ala331Ser; replaces alanine 331 with serine.
Molecular consequence: missense variant.
Genome position (GRCh38, 1-based): chr19:17,365,474, C>A on the plus strand (G>T on the coding strand, the complement: PLVAP is on the minus strand). VCF-style: chr19-17365474-C-A. GRCh37 (hg19) VCF-style: chr19-17476283-C-A.
Other names: short protein forms A331S.
Identifiers: ClinVar variation 3664852 (VCV003664852.2).